The following is an entry in ClinVar:

NM_003982.4(SLC7A7):c.456C>T (p.Phe152=)

Gene: SLC7A7 (solute carrier family 7 member 7; minus strand). Cytogenetic location: 14q11.2.
Variant type: single nucleotide variant.
Coding change: c.456C>T on transcript NM_003982.4 (MANE Select); coding-DNA position 456, C replaced by T.
Protein change: p.Phe152=; no amino-acid change (phenylalanine 152 retained).
Molecular consequence: synonymous variant.
Genome position (GRCh38, 1-based): chr14:22,812,943, G>A on the plus strand (C>T on the coding strand, the complement: SLC7A7 is on the minus strand). VCF-style: chr14-22812943-G-A. GRCh37 (hg19) VCF-style: chr14-23282152-G-A.
Other names: p.Phe152=; c.456C>T, p.Phe152= (NM_001126105.3, NM_001126106.4).
Identifiers: ClinVar variation 312824 (VCV000312824.22), dbSNP rs8016634, ClinGen allele CA7104708.
Genomic context (GRCh38, chr14:22,812,943, plus strand): 5'-ACCCCAGCCCCACTTACAAATGCAGGCAGCAGCCAGCAGGCGGCTGGCAGCATAAGGGGC[G>A]AAGCAGCTCGGGAAGAGAGGCTGTACCATGTAGTTGGCAAAGGTGATGGCAATGATGGCC-3'
Protein context (NP_003973.3, residues 142-162): YMVQPLFPSC[Phe152=]APYAASRLLA

ClinVar aggregate classification (germline): Benign. Review status: criteria provided, multiple submitters, no conflicts (2 of 4 stars). 8 submissions from 8 submitters: Benign (7). 1 of the submissions does not count toward it. Last evaluated 2026-02-02.

Conditions:
Autoinflammatory syndrome. Identifiers: Orphanet 93665, MedGen C3890737, MONDO:0019751.
Lysinuric protein intolerance (LPI). Identifiers: Orphanet 470, MedGen C0268647, MONDO:0009109, OMIM 222700.

Allele frequency attached by ClinVar (database versions not stated): gnomAD exomes 0.00377 and 0.00847; ExAC 0.01053; gnomAD 0.02915 and 0.03113; 1000 Genomes Project 0.03195; TOPMed 0.03297; 1000 Genomes Project 30x 0.03342; ESP Exome Variant Server 0.03468.
gnomAD v4.1: 10,152 of 1,613,798 alleles (0.63%); highest among the groups gnomAD compares: African/African-American, 9.7%; 364 homozygotes.

Submissions (8):

Labcorp Genetics (formerly Invitae), Labcorp
Classification: Benign for Lysinuric protein intolerance. Last evaluated: 2026-02-02. Review status: criteria provided, single submitter. Criteria: Invitae Variant Classification Sherloc (09022015). Collection method: clinical testing. Allele origin: germline.

Mayo Clinic Laboratories, Mayo Clinic
Classification: Benign. Last evaluated: 2023-07-26. Review status: criteria provided, single submitter. Criteria: ACMG Guidelines, 2015. Collection method: clinical testing. Allele origin: germline. Observed: 43 variant alleles.

Genome Diagnostics Laboratory, The Hospital for Sick Children
Classification: Benign for Autoinflammatory syndrome. Last evaluated: 2022-03-05. Review status: criteria provided, single submitter. Criteria: ACMG Guidelines, 2015. Collection method: clinical testing. Allele origin: germline. Affected: yes.

Genome-Nilou Lab
Classification: Benign for Lysinuric protein intolerance. Last evaluated: 2021-11-07. Review status: criteria provided, single submitter. Criteria: ACMG Guidelines, 2015. Collection method: clinical testing. Allele origin: germline. Affected: no.

Illumina Laboratory Services, Illumina
Classification: Benign for Lysinuric protein intolerance. Last evaluated: 2018-01-12. Review status: criteria provided, single submitter. Criteria: ICSL Variant Classification Criteria 13 December 2019. Collection method: clinical testing. Allele origin: germline.
Comment: This variant was observed in the ICSL laboratory as part of a predisposition screen in an ostensibly healthy population. It had not been previously curated by ICSL or reported in the Human Gene Mutation Database (HGMD: prior to June 1st, 2018), and was therefore a candidate for classification through an automated scoring system. Utilizing variant allele frequency, disease prevalence and penetrance estimates, and inheritance mode, an automated score was calculated to assess if this variant is too frequent to cause the disease. Based on the score and internal cut-off values, a variant classified as benign is not then subjected to further curation. The score for this variant resulted in a classification of benign for this disease.

GeneDx
Classification: Benign. Last evaluated: 2015-10-28. Review status: criteria provided, single submitter. Criteria: GeneDx Variant Classification (06012015). Collection method: clinical testing. Allele origin: germline. Affected: yes.
Comment: This variant is considered likely benign or benign based on one or more of the following criteria: it is a conservative change, it occurs at a poorly conserved position in the protein, it is predicted to be benign by multiple in silico algorithms, and/or has population frequency not consistent with disease.

Breakthrough Genomics
Classification: Benign. Review status: criteria provided, single submitter. Criteria: ACMG Guidelines, 2015. Collection method: not provided. Allele origin: germline. Inheritance: Autosomal recessive inheritance. Affected: yes.

Natera, Inc.
Classification: Benign for Lysinuric protein intolerance. Last evaluated: 2020-09-16. Review status: no assertion criteria provided. Collection method: clinical testing. Allele origin: germline. Not counted in ClinVar's aggregate classification.